The following is an entry in ClinVar:

NM_000543.5(SMPD1):c.627G>C (p.Leu209=)

Gene: SMPD1 (sphingomyelin phosphodiesterase 1; plus strand). Cytogenetic location: 11p15.4.
Variant type: single nucleotide variant.
Coding change: c.627G>C on transcript NM_000543.5 (MANE Select); coding-DNA position 627, G replaced by C.
Protein change: p.Leu209=; no amino-acid change (leucine 209 retained).
Molecular consequence: synonymous variant. On other transcripts: 5 prime UTR variant (1), non-coding transcript variant (1).
Genome position (GRCh38, 1-based): chr11:6,391,692, G>C. VCF-style: chr11-6391692-G-C. GRCh37 (hg19) VCF-style: chr11-6412922-G-C.
Other names: c.627G>C (NM_000543.4); c.624G>C, p.Leu208= (NM_001007593.3); c.627G>C, p.Leu209= (NM_001318087.2, NM_001365135.2); c.-335G>C (NM_001318088.2).
Identifiers: ClinVar variation 1661053 (VCV001661053.10), dbSNP rs200443318, ClinGen allele CA5852650.

ClinVar aggregate classification (germline): Likely benign. Review status: criteria provided, single submitter (1 of 4 stars). 2 submissions from 2 submitters: Likely benign (1). 1 of the submissions does not count toward it. Last evaluated 2023-12-01.

Conditions:
SMPD1-related disorder. Also called: SMPD1-related condition.
Niemann-Pick disease, type B. Also called: Chronic Visceral ASMD (Niemann-Pick Disease Type B; NPD-B). Identifiers: Orphanet 77293, MedGen C0268243, MONDO:0011871, OMIM 607616. Disease mechanism: loss of function.
Niemann-Pick disease, type A. Also called: SPHINGOMYELIN LIPIDOSIS; SPHINGOMYELINASE DEFICIENCY; Infantile Neurovisceral ASMD (Niemann-Pick Disease Type A; NPD-A). Identifiers: Orphanet 77292, MedGen C0268242, MONDO:0009756, OMIM 257200. Disease mechanism: loss of function.

Allele frequency attached by ClinVar (database versions not stated): gnomAD 0.00002; 1000 Genomes Project 30x 0.00016; 1000 Genomes Project 0.00020.
gnomAD v4.1: 7 of 1,527,020 alleles (0.00046%); highest among the groups gnomAD compares: African/African-American, 0.0076%; no homozygotes.

Submissions (2):

Labcorp Genetics (formerly Invitae), Labcorp
Classification: Likely benign for Niemann-Pick disease, type B; Niemann-Pick disease, type A. Last evaluated: 2023-12-01. Review status: criteria provided, single submitter. Criteria: Invitae Variant Classification Sherloc (09022015). Collection method: clinical testing. Allele origin: germline.

PreventionGenetics, part of Exact Sciences
Classification: Likely benign for SMPD1-related condition. Last evaluated: 2021-03-30. Review status: no assertion criteria provided. Collection method: clinical testing. Allele origin: germline. Not counted in ClinVar's aggregate classification.
Comment: This variant is classified as likely benign based on ACMG/AMP sequence variant interpretation guidelines (Richards et al. 2015 PMID: 25741868, with internal and published modifications).